The following is an entry in ClinVar:

ClinVar aggregate classification (germline): Uncertain significance (1 of 4 stars; one submission).

Submission:

Labcorp Genetics (formerly Invitae), Labcorp
Classification: Uncertain significance. Last evaluated: 2024-12-05. Review status: criteria provided, single submitter. Criteria: Invitae Variant Classification Sherloc (09022015). Collection method: clinical testing. Allele origin: germline.
Comment: This sequence change replaces glutamic acid, which is acidic and polar, with lysine, which is basic and polar, at codon 360 of the FOXP1 protein (p.Glu360Lys). This variant is not present in population databases (gnomAD no frequency). This variant has not been reported in the literature in individuals affected with FOXP1-related conditions. Invitae Evidence Modeling of protein sequence and biophysical properties (such as structural, functional, and spatial information, amino acid conservation, physicochemical variation, residue mobility, and thermodynamic stability) indicates that this missense variant is expected to disrupt FOXP1 protein function with a positive predictive value of 80%. In summary, the available evidence is currently insufficient to determine the role of this variant in disease. Therefore, it has been classified as a Variant of Uncertain Significance.

NM_001349338.3(FOXP1):c.1078G>A (p.Glu360Lys)

Gene: FOXP1 (forkhead box P1; minus strand). Cytogenetic location: 3p13.
Variant type: single nucleotide variant.
Coding change: c.1078G>A on transcript NM_001349338.3 (MANE Select); coding-DNA position 1078, G replaced by A.
Protein change: p.Glu360Lys; replaces glutamic acid 360 with lysine.
Molecular consequence: missense variant. On other transcripts: non-coding transcript variant (2).
Genome position (GRCh38, 1-based): chr3:70,988,062, C>T on the plus strand (G>A on the coding strand, the complement: FOXP1 is on the minus strand). VCF-style: chr3-70988062-C-T. GRCh37 (hg19) VCF-style: chr3-71037213-C-T.
Other names: c.1078G>A, p.Glu360Lys (NM_001244808.3, NM_001244810.2, NM_001244814.3 and 3 more transcripts); c.850G>A, p.Glu284Lys (NM_001244812.3); c.778G>A, p.Glu260Lys (NM_001244813.3, NM_001244815.2, NM_001349342.3 and 1 more transcripts); c.775G>A, p.Glu259Lys (NM_001349337.2, NM_001349343.3, NM_001349344.3); c.1075G>A, p.Glu359Lys (NM_001349341.3); short protein forms E284K, E259K, E260K, E359K, E360K.
Identifiers: ClinVar variation 3665898 (VCV003665898.2).
Genomic context (GRCh38, chr3:70,988,062, plus strand): 5'-GGGCGGCTTTGGGTTCTGTAGACTTCACATGCAGGTGGGTCATCATGGCTTGCAGGCGTT[C>T]TTTGTCTTTTGCAAGCTGGCAAGAAGAAAATGCTTTGTTATTTCTCTGAATAAAGATGCA-3'
Protein context (NP_001336267.1, residues 350-370): QLELQLAKDK[Glu360Lys]RLQAMMTHLH